The following is an entry in ClinVar:

ClinVar aggregate classification (germline): Likely pathogenic (1 of 4 stars; one submission).

Conditions:
Familial thoracic aortic aneurysm and aortic dissection (TAAD). Also called: Thoracic aortic aneurysms and dissections. Identifiers: Orphanet 91387, MedGen C4707243, MONDO:0019625.

Submission:

Ambry Genetics
Classification: Likely pathogenic for Familial thoracic aortic aneurysm and aortic dissection. Last evaluated: 2019-10-31. Review status: criteria provided, single submitter. Criteria: Ambry Variant Classification Scheme 2023. Collection method: clinical testing. Allele origin: germline.
Comment: The p.C1456G variant (also known as c.4366T>G), located in coding exon 35 of the FBN1 gene, results from a T to G substitution at nucleotide position 4366. The cysteine at codon 1456 is replaced by glycine, an amino acid with highly dissimilar properties, and is located in the cbEGF-like domain #21. The majority of FBN1 mutations identified to date have involved the substitution or generation of cysteine residues within cbEGF domains (Vollbrandt T et al. J Biol Chem. 2004;279(31):32924-32931). Based on internal structural assessment, this alteration eliminates a structurally critical disulfide in the structurally sensitive cbEGF-like domain #21. In addition, alternate amino acid substitutions at this position have also been described, including p.C1456S, which was reported to occur de novo in an individual with probable Marfan syndrome (Stheneur C et al. Eur J Hum Genet. 2009;17(9):1121-8), and p.C1456Y, which was detected in an individual with Marfan-like features (Lerner-Ellis JP et al. Mol Genet Metab. 2014;112(2):171-6). This amino acid position is highly conserved in available vertebrate species. In addition, this alteration is predicted to be deleterious by in silico analysis. Based on the majority of available evidence to date, this variant is likely to be pathogenic.

NM_000138.5(FBN1):c.4366T>G (p.Cys1456Gly)

Gene: FBN1 (fibrillin 1; minus strand). Cytogenetic location: 15q21.1.
Variant type: single nucleotide variant.
Coding change: c.4366T>G on transcript NM_000138.5 (MANE Select); coding-DNA position 4366, T replaced by G.
Protein change: p.Cys1456Gly; replaces cysteine 1456 with glycine.
Molecular consequence: missense variant.
Genome position (GRCh38, 1-based): chr15:48,470,727, A>C on the plus strand (T>G on the coding strand, the complement: FBN1 is on the minus strand). VCF-style: chr15-48470727-A-C. GRCh37 (hg19) VCF-style: chr15-48762924-A-C.
Other names: c.4366T>G, p.Cys1456Gly (NM_001406716.1); short protein forms C1456G.
Identifiers: ClinVar variation 1740052 (VCV001740052.2), dbSNP rs2141275799, ClinGen allele CA392354696.